The following is an entry in ClinVar:

NM_020964.3(EPG5):c.2461C>T (p.Arg821Ter)

Gene: EPG5 (ectopic P-granules 5 autophagy tethering factor; minus strand). Cytogenetic location: 18q21.1.
Variant type: single nucleotide variant.
Coding change: c.2461C>T on transcript NM_020964.3 (MANE Select); coding-DNA position 2461, C replaced by T.
Protein change: p.Arg821Ter; replaces arginine 821 with a stop codon.
Molecular consequence: nonsense.
Genome position (GRCh38, 1-based): chr18:45,928,961, G>A on the plus strand (C>T on the coding strand, the complement: EPG5 is on the minus strand). VCF-style: chr18-45928961-G-A. GRCh37 (hg19) VCF-style: chr18-43508927-G-A.
Other names: c.2461C>T, p.Arg821Ter (LRG_1234t1); short protein forms R821*.
Identifiers: ClinVar variation 267454 (VCV000267454.7), dbSNP rs759625169, ClinGen allele CA8949419.

ClinVar aggregate classification (germline): Pathogenic. Review status: criteria provided, multiple submitters, no conflicts (2 of 4 stars). 2 submissions from 2 submitters: Pathogenic (2). Last evaluated 2025-08-25.

Conditions:
Vici syndrome (VICIS). Identifiers: Orphanet 1493, MedGen C1855772, MONDO:0009452, OMIM 242840.

Allele frequency attached by ClinVar (database versions not stated): gnomAD exomes below 0.00001 and 0.00001; TOPMed below 0.00001; ExAC 0.00001; gnomAD 0.00001.
gnomAD v4.1: 4 of 1,613,726 alleles (0.00025%); highest among the groups gnomAD compares: East Asian, 0.0022%; no homozygotes.

Submissions (2):

Daryl Scott Lab, Baylor College of Medicine
Classification: Pathogenic for Vici syndrome. Last evaluated: 2025-08-25. Review status: criteria provided, single submitter. Criteria: ACMG Guidelines, 2015. Collection method: clinical testing. Allele origin: paternal. Affected: yes. Observed: 1 compound heterozygote.
Comment: PVS1, PS4

Labcorp Genetics (formerly Invitae), Labcorp
Classification: Pathogenic for Vici syndrome. Last evaluated: 2024-01-11. Review status: criteria provided, single submitter. Criteria: Invitae Variant Classification Sherloc (09022015). Collection method: clinical testing. Allele origin: germline.
Comment: This sequence change creates a premature translational stop signal (p.Arg821*) in the EPG5 gene. It is expected to result in an absent or disrupted protein product. Loss-of-function variants in EPG5 are known to be pathogenic (PMID: 23222957, 23674064). This variant is present in population databases (rs759625169, gnomAD 0.005%). This premature translational stop signal has been observed in individual(s) with clinical features of Vici syndrome (PMID: 28615637). ClinVar contains an entry for this variant (Variation ID: 267454). For these reasons, this variant has been classified as Pathogenic.

Literature cited by the submitters: PubMed 23222957 (cited by Labcorp Genetics (formerly Invitae), Labcorp); PubMed 23674064 (cited by Labcorp Genetics (formerly Invitae), Labcorp); PubMed 28615637 (cited by Labcorp Genetics (formerly Invitae), Labcorp).